The following is an entry in ClinVar:

NM_006302.3(MOGS):c.1723C>T (p.Pro575Ser)

Gene: MOGS (mannosyl-oligosaccharide glucosidase; minus strand). Cytogenetic location: 2p13.1.
Variant type: single nucleotide variant.
Coding change: c.1723C>T on transcript NM_006302.3 (MANE Select); coding-DNA position 1723, C replaced by T.
Protein change: p.Pro575Ser; replaces proline 575 with serine.
Molecular consequence: missense variant.
Genome position (GRCh38, 1-based): chr2:74,462,066, G>A on the plus strand (C>T on the coding strand, the complement: MOGS is on the minus strand). VCF-style: chr2-74462066-G-A. GRCh37 (hg19) VCF-style: chr2-74689193-G-A.
Other names: c.1405C>T, p.Pro469Ser (NM_001146158.2); short protein forms P469S, P575S.
Identifiers: ClinVar variation 962264 (VCV000962264.12), dbSNP rs899025715, ClinGen allele CA50475349.

ClinVar aggregate classification (germline): Uncertain significance. Review status: criteria provided, multiple submitters, no conflicts (2 of 4 stars). 3 submissions from 3 submitters: Uncertain significance (3). Last evaluated 2022-02-24.

Conditions:
Inborn genetic diseases. Identifiers: MedGen C0950123, MeSH D030342.
MOGS-congenital disorder of glycosylation. Also called: CDG IIb; GLUCOSIDASE I DEFICIENCY; CDG 2B; MOGS-CDG. Identifiers: Orphanet 79330, MedGen C1853736, MONDO:0011629, OMIM 606056.

Allele frequency attached by ClinVar (database versions not stated): TOPMed 0.00001.

Submissions (3):

Labcorp Genetics (formerly Invitae), Labcorp
Classification: Uncertain significance for MOGS-congenital disorder of glycosylation. Last evaluated: 2022-02-24. Review status: criteria provided, single submitter. Criteria: Invitae Variant Classification Sherloc (09022015). Collection method: clinical testing. Allele origin: germline.
Comment: This sequence change replaces proline, which is neutral and non-polar, with serine, which is neutral and polar, at codon 575 of the MOGS protein (p.Pro575Ser). This variant is not present in population databases (gnomAD no frequency). This variant has not been reported in the literature in individuals affected with MOGS-related conditions. ClinVar contains an entry for this variant (Variation ID: 962264). Algorithms developed to predict the effect of missense changes on protein structure and function are either unavailable or do not agree on the potential impact of this missense change (SIFT: "Deleterious"; PolyPhen-2: "Probably Damaging"; Align-GVGD: "Class C0"). In summary, the available evidence is currently insufficient to determine the role of this variant in disease. Therefore, it has been classified as a Variant of Uncertain Significance.

Ambry Genetics
Classification: Uncertain significance for Inborn genetic diseases. Last evaluated: 2021-09-01. Review status: criteria provided, single submitter. Criteria: Ambry Variant Classification Scheme 2023. Collection method: clinical testing. Allele origin: germline.

Breakthrough Genomics
Classification: Uncertain significance. Review status: criteria provided, single submitter. Criteria: ACMG Guidelines, 2015. Collection method: not provided. Allele origin: germline. Inheritance: Autosomal recessive inheritance. Affected: yes.